The following is an entry in ClinVar:

NM_198578.4(LRRK2):c.3968A>G (p.Gln1323Arg)

Gene: LRRK2 (leucine rich repeat kinase 2; plus strand). Cytogenetic location: 12q12.
Variant type: single nucleotide variant.
Coding change: c.3968A>G on transcript NM_198578.4 (MANE Select); coding-DNA position 3968, A replaced by G.
Protein change: p.Gln1323Arg; replaces glutamine 1323 with arginine.
Molecular consequence: missense variant.
Genome position (GRCh38, 1-based): chr12:40,308,475, A>G. VCF-style: chr12-40308475-A-G. GRCh37 (hg19) VCF-style: chr12-40702277-A-G.
Other names: short protein forms Q1323R.
Identifiers: ClinVar variation 1736572 (VCV001736572.3), dbSNP rs186669665, ClinGen allele CA6514060.

ClinVar aggregate classification (germline): Uncertain significance. Review status: criteria provided, multiple submitters, no conflicts (2 of 4 stars). 2 submissions from 2 submitters: Uncertain significance (2). Last evaluated 2025-12-13.

Conditions:
Autosomal dominant Parkinson disease 8. Also called: LRRK2-Related Parkinson Disease; Parkinson disease 8; Parkinson disease 8, susceptibility to. Identifiers: Orphanet 411602, MedGen C1846862, MONDO:0011764, OMIM 607060.
Inborn genetic diseases. Identifiers: MedGen C0950123, MeSH D030342.

Allele frequency attached by ClinVar (database versions not stated): ExAC 0.00001; gnomAD 0.00001; 1000 Genomes Project 30x 0.00016; 1000 Genomes Project 0.00020.
gnomAD v4.1: 4 of 1,613,300 alleles (0.00025%); highest among the groups gnomAD compares: East Asian, 0.0089%; no homozygotes.

Submissions (2):

Laboratorio de Genetica e Diagnostico Molecular, Hospital Israelita Albert Einstein
Classification: Uncertain significance for Autosomal dominant Parkinson disease 8. Last evaluated: 2025-12-13. Review status: criteria provided, single submitter. Criteria: ACMG Guidelines, 2015. Collection method: clinical testing. Allele origin: germline. Affected: yes.
Comment: ACMG classification criteria: PM2 supporting, BP4 supporting

Ambry Genetics
Classification: Uncertain significance for Inborn genetic diseases. Last evaluated: 2022-05-21. Review status: criteria provided, single submitter. Criteria: Ambry Variant Classification Scheme 2023. Collection method: clinical testing. Allele origin: germline.
Comment: The p.Q1323R variant (also known as c.3968A>G), located in coding exon 29 of the LRRK2 gene, results from an A to G substitution at nucleotide position 3968. The glutamine at codon 1323 is replaced by arginine, an amino acid with highly similar properties. This amino acid position is conserved. In addition, the in silico prediction for this alteration is inconclusive. Since supporting evidence is limited at this time, the clinical significance of this alteration remains unclear.